The following is an entry in ClinVar:

ClinVar aggregate classification (germline): Uncertain significance (1 of 4 stars; one submission).

Conditions:
Hereditary cancer-predisposing syndrome. Also called: Tumor predisposition; Hereditary Cancer Syndrome; Hereditary neoplastic syndrome; Neoplastic Syndromes, Hereditary. Identifiers: Orphanet 140162, MedGen C0027672, MeSH D009386, MONDO:0015356.

Submission:

Ambry Genetics
Classification: Uncertain significance for Hereditary cancer-predisposing syndrome. Last evaluated: 2024-03-28. Review status: criteria provided, single submitter. Criteria: Ambry Variant Classification Scheme 2023. Collection method: clinical testing. Allele origin: germline.
Comment: The c.528_530delTGA variant (also known as p.D177del) is located in coding exon 3 of the PHOX2B gene. This variant results from an in-frame TGA deletion at nucleotide positions 528 to 530. This results in the in-frame deletion of an aspartic acid at codon 177. This amino acid position is well conserved in available vertebrate species. In addition, this alteration is predicted to be neutral by in silico analysis (Choi Y et al. PLoS ONE. 2012; 7(10):e46688). Based on the available evidence, the clinical significance of this alteration remains unclear.

NM_003924.4(PHOX2B):c.528_530del (p.Asp177del)

Gene: PHOX2B (paired like homeobox 2B; minus strand). Cytogenetic location: 4p13.
Variant type: Deletion.
Coding change: c.528_530del on transcript NM_003924.4 (MANE Select); coding-DNA positions 528 to 530, 3 bases deleted (TGA; older notation c.528_530delTGA).
Protein change: p.Asp177del; deletes aspartic acid 177.
Molecular consequence: inframe deletion.
Genome position (GRCh38, 1-based): chr4:41,746,222-41,746,224, TCA deleted on the plus strand (TGA on the coding strand, the reverse complement: PHOX2B is on the minus strand). VCF-style (leftmost placement, unchanged base first): chr4-41746221-GTCA-G. GRCh37 (hg19) VCF-style: chr4-41748238-GTCA-G.
Other names: short protein forms D177del.
Identifiers: ClinVar variation 3306269 (VCV003306269.1).